The following continues an entry in ClinVar:

NM_000359.3(TGM1):c.877-2A>G

Gene: TGM1. ClinVar aggregate classification (germline): Pathogenic. Pathogenic (16).

Submissions 13 to 27 of 27:

Myriad Genetics, Inc.
Classification: Pathogenic for Autosomal recessive congenital ichthyosis 1. Last evaluated: 2021-11-18. Review status: criteria provided, single submitter. Criteria: Myriad Women's Health Autosomal Recessive and X-Linked Classification Criteria (2021). Collection method: clinical testing. Allele origin: unknown.
Comment: NM_000359.2(TGM1):c.877-2A>G is a canonical splice variant classified as pathogenic in the context of TGM1-related autosomal recessive congenital ichthyosis. c.877-2A>G has been observed in cases with relevant disease (PMID: 9545389, 9887377, 19241467). Functional assessments of this variant are available in the literature (PMID: 9887377). c.877-2A>G has been observed in population frequency databases (gnomAD: NFE 0.06%). In summary, NM_000359.2(TGM1):c.877-2A>G is a canonical splice variant that has been observed more frequently in cases with the relevant disease than in healthy populations. Please note: this variant was assessed in the context of healthy population screening.

GeneDx
Classification: Pathogenic. Last evaluated: 2021-04-16. Review status: criteria provided, single submitter. Criteria: GeneDx Variant Classification Process June 2021. Collection method: clinical testing. Allele origin: germline. Affected: yes.
Comment: One of the most common TGM1 pathogenic variants causing lamellar ichthyosis, and accounts for approximately one third of all disease-associated alleles among individuals with TGM1-related ichthyosis worldwide (Herman et al., 2009); Canonical splice site variant shown to lead to abnormal splicing and almost complete elimination of transglutaminase 1 enzyme function (Huber et al., 1997; Herman et al., 2009) in a gene for which loss-of-function is a known mechanism of disease; This variant is associated with the following publications: (PMID: 25525159, 9544844, 10694685, 11298529, 9359043, 16968736, 7824952, 9887377, 10914678, 27025581, 9261103, 29444371, 22437313, 19241467, 28403434, 31168818, 15665393, 31642606, 31980526, 31589614)

Center for Pediatric Genomic Medicine, Children's Mercy Hospital and Clinics
Classification: Pathogenic. Last evaluated: 2017-03-06. Review status: criteria provided, single submitter. Criteria: ACMG Guidelines, 2015. Collection method: clinical testing. Allele origin: germline.

Genome-Nilou Lab
Classification: Pathogenic for Autosomal recessive congenital ichthyosis 1. Review status: criteria provided, single submitter. Criteria: ACMG Guidelines, 2015. Collection method: clinical testing. Allele origin: germline.

PreventionGenetics, part of Exact Sciences
Classification: Pathogenic for TGM1-related condition. Last evaluated: 2023-11-29. Review status: no assertion criteria provided. Collection method: clinical testing. Allele origin: germline. Not counted in ClinVar's aggregate classification.
Comment: The TGM1 c.877-2A>G variant is predicted to disrupt the AG splice acceptor site and interfere with normal splicing. This variant has been reported in the homozygous or compound heterozygous state in multiple individuals with autosomal recessive congenital ichthyosis (see for example, Sitek et al. 2018. PubMed ID: 29444371; Table 2a, Seidl-Philipp et al. 2020. PubMed ID: 31642606; Pigg et al. 2016. PubMed ID: 27025581; Simpson et al. 2020. PubMed ID: 31168818). This variant is reported in 0.057% of alleles in individuals of European (non-Finnish) descent in gnomAD. This variant has been reported as a founder variant in Norway (Pigg et al. 2016. PubMed ID: 27025581). Variants that disrupt the consensus splice acceptor site in TGM1 are expected to be pathogenic. This variant is interpreted as pathogenic.

OMIM
Classification: Pathogenic for ICHTHYOSIS, CONGENITAL, AUTOSOMAL RECESSIVE 1, WITH OR WITHOUT BATHING SUIT DISTRIBUTION. Last evaluated: 2009-02-01. Review status: no assertion criteria provided. Collection method: literature only. Allele origin: germline. Not counted in ClinVar's aggregate classification.

Clinical Genetics DNA and cytogenetics Diagnostics Lab, Erasmus MC, Erasmus Medical Center
Classification: Pathogenic. Review status: no assertion criteria provided. Collection method: clinical testing. Allele origin: germline. Affected: yes. Study: VKGL Data-share Consensus. Not counted in ClinVar's aggregate classification.

Diagnostic Laboratory, Department of Genetics, University Medical Center Groningen
Classification: Pathogenic. Review status: no assertion criteria provided. Collection method: clinical testing. Allele origin: germline. Affected: yes. Study: VKGL Data-share Consensus. Not counted in ClinVar's aggregate classification.

Dr. Peter K. Rogan Lab, Western University
No classification provided (evidence only). Condition: Lung cancer. Review status: no classification provided. Collection method: in vitro. Allele origin: not applicable. Functional consequence: retained intron. Not counted in ClinVar's aggregate classification.

Dr. Peter K. Rogan Lab, Western University
No classification provided (evidence only). Condition: Familial cancer of breast. Review status: no classification provided. Collection method: in vitro. Allele origin: not applicable. Functional consequence: retained intron. Not counted in ClinVar's aggregate classification.

Dr. Peter K. Rogan Lab, Western University
No classification provided (evidence only). Condition: Thyroid cancer, nonmedullary, 1. Review status: no classification provided. Collection method: in vitro. Allele origin: not applicable. Functional consequence: retained intron. Not counted in ClinVar's aggregate classification.

Dr. Peter K. Rogan Lab, Western University
No classification provided (evidence only). Condition: Cholangiocarcinoma. Review status: no classification provided. Collection method: in vitro. Allele origin: not applicable. Functional consequence: retained intron. Not counted in ClinVar's aggregate classification.

GeneReviews
No classification provided. Condition: Autosomal recessive congenital ichthyosis. Review status: no classification provided. Collection method: literature only. Allele origin: germline. Not counted in ClinVar's aggregate classification.

Genome Diagnostics Laboratory, University Medical Center Utrecht
Classification: Pathogenic. Review status: no assertion criteria provided. Collection method: clinical testing. Allele origin: germline. Affected: yes. Study: VKGL Data-share Consensus. Not counted in ClinVar's aggregate classification.

Joint Genome Diagnostic Labs from Nijmegen and Maastricht, Radboudumc and MUMC+
Classification: Pathogenic. Review status: no assertion criteria provided. Collection method: clinical testing. Allele origin: germline. Affected: yes. Study: VKGL Data-share Consensus. Not counted in ClinVar's aggregate classification.

Literature cited by the submitters: PubMed 7824952 (cited by 4 submitters); PubMed 10914678 (cited by 5 submitters); PubMed 19241467 (cited by 3 submitters); PubMed 27025581 (cited by 3 submitters); PubMed 28403434 (cited by Labcorp Genetics (formerly Invitae), Labcorp); PubMed 16968736 (cited by Victorian Clinical Genetics Services, Murdoch Childrens Research Institute and OMIM); PubMed 9887377 (cited by 3 submitters); PubMed 9545389 (cited by Myriad Genetics, Inc.); PubMed 18948357 (cited by OMIM and GeneReviews).